The following is an entry in ClinVar:

NM_030928.4(CDT1):c.430G>T (p.Ala144Ser)

Gene: CDT1 (chromatin licensing and DNA replication factor 1; plus strand). Cytogenetic location: 16q24.3.
Variant type: single nucleotide variant.
Coding change: c.430G>T on transcript NM_030928.4 (MANE Select); coding-DNA position 430, G replaced by T.
Protein change: p.Ala144Ser; replaces alanine 144 with serine.
Molecular consequence: missense variant.
Genome position (GRCh38, 1-based): chr16:88,804,840, G>T. VCF-style: chr16-88804840-G-T. GRCh37 (hg19) VCF-style: chr16-88871248-G-T.
Other names: c.430G>T (NM_030928.3); short protein forms A144S.
Identifiers: ClinVar variation 1961667 (VCV001961667.6), dbSNP rs1429736027, ClinGen allele CA397073193.
Genomic context (GRCh38, chr16:88,804,840, plus strand): 5'-GCGTCATGCCTGCAACGGGCCCGGGAGCTGGGGGCAAGAGTCCGGGCGCTGAAGGCCAGT[G>T]CCCAGGATGCTGGGGAGTCCTGCACCCCAGAGGCCGAGGGCCGCCCTGAGGAGCCATGGT-3'
Protein context (NP_112190.2, residues 134-154): GARVRALKAS[Ala144Ser]QDAGESCTPE

ClinVar aggregate classification (germline): Uncertain significance. Review status: criteria provided, multiple submitters, no conflicts (2 of 4 stars). 2 submissions from 2 submitters: Uncertain significance (2). Last evaluated 2025-05-17.

Conditions:
Inborn genetic diseases. Identifiers: MedGen C0950123, MeSH D030342.

Allele frequency attached by ClinVar (database versions not stated): gnomAD 0.00001; TOPMed 0.00001.
gnomAD v4.1: 3 of 1,611,478 alleles (0.00019%); highest among the groups gnomAD compares: African/African-American, 0.0027%; no homozygotes.

Submissions (2):

Ambry Genetics
Classification: Uncertain significance for Inborn genetic diseases. Last evaluated: 2025-05-17. Review status: criteria provided, single submitter. Criteria: Ambry Variant Classification Scheme 2023. Collection method: clinical testing. Allele origin: germline.

Labcorp Genetics (formerly Invitae), Labcorp
Classification: Uncertain significance. Last evaluated: 2024-11-05. Review status: criteria provided, single submitter. Criteria: Invitae Variant Classification Sherloc (09022015). Collection method: clinical testing. Allele origin: germline.
Comment: This sequence change replaces alanine, which is neutral and non-polar, with serine, which is neutral and polar, at codon 144 of the CDT1 protein (p.Ala144Ser). This variant is present in population databases (no rsID available, gnomAD 0.01%). This variant has not been reported in the literature in individuals affected with CDT1-related conditions. ClinVar contains an entry for this variant (Variation ID: 1961667). An algorithm developed to predict the effect of missense changes on protein structure and function (PolyPhen-2) suggests that this variant is likely to be tolerated. In summary, the available evidence is currently insufficient to determine the role of this variant in disease. Therefore, it has been classified as a Variant of Uncertain Significance.